The following is an entry in ClinVar:

NM_032621.4(BEX2):c.158G>A (p.Arg53His)

Gene: BEX2 (brain expressed X-linked 2; minus strand). Cytogenetic location: Xq22.2.
Variant type: single nucleotide variant.
Coding change: c.158G>A on transcript NM_032621.4 (MANE Select); coding-DNA position 158, G replaced by A.
Protein change: p.Arg53His; replaces arginine 53 with histidine.
Molecular consequence: missense variant.
Genome position (GRCh38, 1-based): chrX:103,309,819, C>T on the plus strand (G>A on the coding strand, the complement: BEX2 is on the minus strand). VCF-style: chrX-103309819-C-T. GRCh37 (hg19) VCF-style: chrX-102564747-C-T.
Other names: c.254G>A, p.Arg85His (NM_001168399.2); c.251G>A, p.Arg84His (NM_001168400.2); c.158G>A, p.Arg53His (NM_001168401.2); short protein forms R85H, R53H, R84H.
Identifiers: ClinVar variation 4645823 (VCV004645823.1).

ClinVar aggregate classification (germline): Uncertain significance (1 of 4 stars; one submission).

gnomAD v4.1: 24 of 1,210,395 alleles (0.002%); highest among the groups gnomAD compares: South Asian, 0.0035%; no homozygotes.

Submission:

Ambry Genetics
Classification: Uncertain significance. Last evaluated: 2025-10-24. Review status: criteria provided, single submitter. Criteria: Ambry Variant Classification Scheme 2023. Collection method: clinical testing. Allele origin: germline.
Comment: The c.254G>A (p.R85H) alteration is located in exon 3 (coding exon 3) of the BEX2 gene. This alteration results from a G to A substitution at nucleotide position 254, causing the arginine (R) at amino acid position 85 to be replaced by a histidine (H). Based on data from gnomAD, the A allele has an overall frequency of 0.001% (2/183431) total alleles studied. The highest observed frequency was 0.005% (1/19078) of South Asian alleles. Based on insufficient or conflicting evidence, the clinical significance of this alteration remains unclear.